The following is an entry in ClinVar:

NM_000059.4(BRCA2):c.1265A>C (p.Asn422Thr)

Gene: BRCA2 (BRCA2 DNA repair associated; plus strand). Cytogenetic location: 13q13.1.
Variant type: single nucleotide variant.
Coding change: c.1265A>C on transcript NM_000059.4 (MANE Select); coding-DNA position 1265, A replaced by C.
Protein change: p.Asn422Thr; replaces asparagine 422 with threonine.
Molecular consequence: missense variant.
Genome position (GRCh38, 1-based): chr13:32,332,743, A>C. VCF-style: chr13-32332743-A-C. GRCh37 (hg19) VCF-style: chr13-32906880-A-C.
Other names: short protein forms N422T.
Identifiers: ClinVar variation 142835 (VCV000142835.15), dbSNP rs587782755, ClinGen allele CA011390.

ClinVar aggregate classification (germline): Conflicting classifications of pathogenicity. Review status: criteria provided, conflicting classifications (1 of 4 stars). 5 submissions from 5 submitters: Uncertain significance (3); Likely benign (2). Last evaluated 2025-09-16.

Conditions:
Hereditary cancer-predisposing syndrome. Also called: Tumor predisposition; Neoplastic Syndromes, Hereditary; Hereditary neoplastic syndrome; Hereditary Cancer Syndrome. Identifiers: Orphanet 140162, MedGen C0027672, MeSH D009386, MONDO:0015356.
Hereditary breast ovarian cancer syndrome. Also called: Hereditary breast and ovarian cancer; Hereditary breast and ovarian cancer syndrome (HBOC); Hereditary breast and ovarian cancer syndrome; BRCA1- and BRCA2-Associated Hereditary Breast and Ovarian Cancer; Breast and ovarian cancer; Hereditary breast and/or ovarian cancer syndrome. Identifiers: Orphanet 145, MedGen C0677776, MeSH D061325, MONDO:0003582. Disease mechanism: loss of function.
Breast-ovarian cancer, familial, susceptibility to, 2 (BROVCA2). Also called: BRCA2 Hereditary Breast and Ovarian Cancer. Identifiers: Orphanet 145, MedGen C2675520, MONDO:0012933, OMIM 612555. Disease mechanism: loss of function.

gnomAD v4.1: 1 of 1,609,672 alleles (0.000062%); highest among the groups gnomAD compares: Non-Finnish European, 0.000085%; no homozygotes.

Submissions (5):

Color Diagnostics, LLC DBA Color Health
Classification: Uncertain significance for Hereditary cancer-predisposing syndrome. Last evaluated: 2025-09-16. Review status: criteria provided, single submitter. Criteria: ACMG Guidelines, 2015. Collection method: clinical testing. Allele origin: germline.
Comment: This missense variant replaces asparagine with threonine at codon 422 of the BRCA2 protein. Computational prediction suggests that this variant may not impact protein structure and function. To our knowledge, functional studies have not been reported for this variant. This variant has not been reported in individuals affected with BRCA2-related disorders in the literature. This variant has not been identified in the general population by the Genome Aggregation Database (gnomAD). The available evidence is insufficient to determine the role of this variant in disease conclusively. Therefore, this variant is classified as a Variant of Uncertain Significance.

Labcorp Genetics (formerly Invitae), Labcorp
Classification: Uncertain significance for Hereditary breast ovarian cancer syndrome. Last evaluated: 2025-01-19. Review status: criteria provided, single submitter. Criteria: Invitae Variant Classification Sherloc (09022015). Collection method: clinical testing. Allele origin: germline.
Comment: This sequence change replaces asparagine, which is neutral and polar, with threonine, which is neutral and polar, at codon 422 of the BRCA2 protein (p.Asn422Thr). This variant is not present in population databases (gnomAD no frequency). This variant has not been reported in the literature in individuals affected with BRCA2-related conditions. ClinVar contains an entry for this variant (Variation ID: 142835). Invitae Evidence Modeling of protein sequence and biophysical properties (such as structural, functional, and spatial information, amino acid conservation, physicochemical variation, residue mobility, and thermodynamic stability) indicates that this missense variant is not expected to disrupt BRCA2 protein function with a negative predictive value of 95%. In summary, the available evidence is currently insufficient to determine the role of this variant in disease. Therefore, it has been classified as a Variant of Uncertain Significance.

Molecular Pathology, Peter Maccallum Cancer Centre
Classification: Likely benign for Breast-ovarian cancer, familial, susceptibility to, 2. Last evaluated: 2024-05-01. Review status: criteria provided, single submitter. Criteria: ACMG Guidelines, 2015. Collection method: clinical testing. Allele origin: germline. Inheritance: Autosomal dominant inheritance.

University of Washington Department of Laboratory Medicine, University of Washington
Classification: Likely benign for Hereditary cancer-predisposing syndrome. Last evaluated: 2023-03-23. Review status: criteria provided, single submitter. Criteria: Dines et al. (Genet Med. 2020). Collection method: curation. Allele origin: germline.
Comment: Missense variant in a coldspot region where missense variants are very unlikely to be pathogenic (PMID:31911673).

BRCA2 exon 10 coldspot. Reclassification based on statistical prior probability.

Ambry Genetics
Classification: Uncertain significance for Hereditary cancer-predisposing syndrome. Last evaluated: 2020-01-17. Review status: criteria provided, single submitter. Criteria: Ambry Variant Classification Scheme 2023. Collection method: clinical testing. Allele origin: germline.
Comment: The p.N422T variant (also known as c.1265A>C), located in coding exon 9 of the BRCA2 gene, results from an A to C substitution at nucleotide position 1265. The asparagine at codon 422 is replaced by threonine, an amino acid with similar properties. This amino acid position is poorly conserved in available vertebrate species. In addition, this alteration is predicted to be tolerated by in silico analysis. Since supporting evidence is limited at this time, the clinical significance of this alteration remains unclear.